The following is an entry in ClinVar:

ClinVar aggregate classification (germline): Benign (0 of 4 stars; one submission).

Conditions:
ZFHX3-related disorder. Also called: ZFHX3-related condition.

Allele frequency attached by ClinVar (database versions not stated): TOPMed 0.01152; 1000 Genomes Project 30x 0.01187; 1000 Genomes Project 0.01218; gnomAD 0.01250; ESP Exome Variant Server 0.01408; ExAC 0.01421; gnomAD exomes 0.01881.
gnomAD v4.1: 29,268 of 1,613,962 alleles (1.8%); highest among the groups gnomAD compares: South Asian, 2.9%; 320 homozygotes.

Submission:

PreventionGenetics, part of Exact Sciences
Classification: Benign for ZFHX3-related condition. Last evaluated: 2019-05-08. Review status: no assertion criteria provided. Collection method: clinical testing. Allele origin: germline.
Comment: This variant is classified as benign based on ACMG/AMP sequence variant interpretation guidelines (Richards et al. 2015 PMID: 25741868, with internal and published modifications).

NM_006885.4(ZFHX3):c.6333G>A (p.Pro2111=)

Genes: ZFHX3 (zinc finger homeobox 3; minus strand), ZFHX3-AS1 (ZFHX3 antisense RNA 1; plus strand). Cytogenetic location: 16q22.2.
Variant type: single nucleotide variant.
Coding change: c.6333G>A on transcript NM_006885.4 (MANE Select); coding-DNA position 6333, G replaced by A.
Protein change: p.Pro2111=; no amino-acid change (proline 2111 retained).
Molecular consequence: synonymous variant.
Genome position (GRCh38, 1-based): chr16:72,796,349, C>T on the plus strand (G>A on the coding strand, the complement: ZFHX3 is on the minus strand). VCF-style: chr16-72796349-C-T. GRCh37 (hg19) VCF-style: chr16-72830248-C-T.
Other names: c.3591G>A, p.Pro1197= (NM_001164766.2); c.6333G>A, p.Pro2111= (NM_001386735.1).
Identifiers: ClinVar variation 3038265 (VCV003038265.2), dbSNP rs142316393, ClinGen allele CA8163408.
Genomic context (GRCh38, chr16:72,796,349, plus strand): 5'-GAGTTGGGCCAGGTCCGCAGGCAGAGGCTCCACAGGTCCCAGCTGCGGGGGTAGCTGAGC[C>T]GGCAAGGTCTGCAGCGGCATCGTCTGCATCATCAGCGGCGAGAAGATGGGCAGCTCCATC-3'
Protein context (NP_008816.3, residues 2101-2121): MMQTMPLQTL[Pro2111=]AQLPPQLGPV